The following is an entry in ClinVar:

ClinVar aggregate classification (germline): Conflicting classifications of pathogenicity. Review status: criteria provided, conflicting classifications (1 of 4 stars). 4 submissions from 4 submitters: Uncertain significance (3); Likely benign (1). Last evaluated 2025-12-15.

Conditions:
Hereditary cancer-predisposing syndrome. Also called: Neoplastic Syndromes, Hereditary; Hereditary Cancer Syndrome; Hereditary neoplastic syndrome; Tumor predisposition. Identifiers: Orphanet 140162, MedGen C0027672, MeSH D009386, MONDO:0015356.
Colorectal cancer, susceptibility to, 12 (CRCS12). Also called: COLORECTAL CANCER, SUSCEPTIBILITY TO, ON CHROMOSOME 12q24. Identifiers: Orphanet 220460, MedGen C3554460, MONDO:0014038, OMIM 615083.
Facial dysmorphism-immunodeficiency-livedo-short stature syndrome. Also called: Facial dysmorphism, immunodeficiency, livedo, and short stature; FILS syndrome. Identifiers: Orphanet 352712, MedGen C3554576, MONDO:0014058, OMIM 615139.
Intrauterine growth retardation, metaphyseal dysplasia, adrenal hypoplasia congenita, genital anomalies, and immunodeficiency. Also called: IMAGEI SYNDROME. Identifiers: MedGen C5193036, MONDO:0032684, OMIM 618336.

Allele frequency attached by ClinVar (database versions not stated): gnomAD exomes below 0.00001; TOPMed below 0.00001.

Submissions (4):

Labcorp Genetics (formerly Invitae), Labcorp
Classification: Uncertain significance. Last evaluated: 2025-12-15. Review status: criteria provided, single submitter. Criteria: Invitae Variant Classification Sherloc (09022015). Collection method: clinical testing. Allele origin: germline.
Comment: This sequence change replaces glutamic acid, which is acidic and polar, with lysine, which is basic and polar, at codon 2082 of the POLE protein (p.Glu2082Lys). This variant is present in population databases (no rsID available, gnomAD no frequency). This variant has not been reported in the literature in individuals affected with POLE-related conditions. ClinVar contains an entry for this variant (Variation ID: 540821). Invitae Evidence Modeling of protein sequence and biophysical properties (such as structural, functional, and spatial information, amino acid conservation, physicochemical variation, residue mobility, and thermodynamic stability) indicates that this missense variant is not expected to disrupt POLE protein function with a negative predictive value of 80%. In summary, the available evidence is currently insufficient to determine the role of this variant in disease. Therefore, it has been classified as a Variant of Uncertain Significance.

St. Jude Molecular Pathology, St. Jude Children's Research Hospital
Classification: Uncertain significance for Colorectal cancer, susceptibility to, 12. Last evaluated: 2025-06-17. Review status: criteria provided, single submitter. Criteria: St. Jude Assertion Criteria 2020. Collection method: clinical testing. Allele origin: germline.
Comment: The POLE c.6244G>A p.(Glu2082Lys) missense change has a maximum subpopulation frequency of 0.003% in gnomAD v2.1.1. The in silico tool REVEL predicts a benign effect on protein function, but to our knowledge this prediction has not been confirmed by functional studies. To our knowledge, this variant has not been reported in the literature in individuals with POLE-related disease. In summary, the evidence currently available is insufficient to determine the clinical significance of this variant. It has therefore been classified as of uncertain significance.

Ambry Genetics
Classification: Likely benign for Hereditary cancer-predisposing syndrome. Last evaluated: 2025-01-10. Review status: criteria provided, single submitter. Criteria: Ambry Variant Classification Scheme 2023. Collection method: clinical testing. Allele origin: germline.

Fulgent Genetics
Classification: Uncertain significance for Colorectal cancer, susceptibility to, 12; Facial dysmorphism-immunodeficiency-livedo-short stature syndrome; Intrauterine growth retardation, metaphyseal dysplasia, adrenal hypoplasia congenita, genital anomalies, and immunodeficiency. Last evaluated: 2024-06-07. Review status: criteria provided, single submitter. Criteria: ACMG Guidelines, 2015. Collection method: clinical testing. Allele origin: germline.

NM_006231.4(POLE):c.6244G>A (p.Glu2082Lys)

Gene: POLE (DNA polymerase epsilon, catalytic subunit; minus strand). Cytogenetic location: 12q24.33.
Variant type: single nucleotide variant.
Coding change: c.6244G>A on transcript NM_006231.4 (MANE Select); coding-DNA position 6244, G replaced by A.
Protein change: p.Glu2082Lys; replaces glutamic acid 2082 with lysine.
Molecular consequence: missense variant.
Genome position (GRCh38, 1-based): chr12:132,632,401, C>T on the plus strand (G>A on the coding strand, the complement: POLE is on the minus strand). VCF-style: chr12-132632401-C-T. GRCh37 (hg19) VCF-style: chr12-133208987-C-T.
Other names: c.6244G>A (NM_006231.2); short protein forms E2082K.
Identifiers: ClinVar variation 540821 (VCV000540821.14), dbSNP rs1285938402, ClinGen allele CA387369564.